The following is an entry in ClinVar:

NM_015330.6(SPECC1L):c.867T>G (p.Phe289Leu)

Genes: SPECC1L (sperm antigen with calponin homology and coiled-coil domains 1 like; plus strand), SPECC1L-ADORA2A (SPECC1L-ADORA2A readthrough (NMD candidate); plus strand). Cytogenetic location: 22q11.23.
Variant type: single nucleotide variant.
Coding change: c.867T>G on transcript NM_015330.6 (MANE Select); coding-DNA position 867, T replaced by G.
Protein change: p.Phe289Leu; replaces phenylalanine 289 with leucine.
Molecular consequence: missense variant. On other transcripts: non-coding transcript variant (1).
Genome position (GRCh38, 1-based): chr22:24,321,847, T>G. VCF-style: chr22-24321847-T-G. GRCh37 (hg19) VCF-style: chr22-24717815-T-G.
Other names: c.867T>G, p.Phe289Leu (NM_001145468.4, NM_001254732.3); c.867T>G (NM_015330.2); short protein forms F289L.
Identifiers: ClinVar variation 1981722 (VCV001981722.32), dbSNP rs199858278, ClinGen allele CA10152029.

ClinVar aggregate classification (germline): Conflicting classifications of pathogenicity. Review status: criteria provided, conflicting classifications (1 of 4 stars). 4 submissions from 4 submitters: Uncertain significance (1); Benign (1); Likely benign (2). Last evaluated 2026-02-03.

Conditions:
Inborn genetic diseases. Identifiers: MedGen C0950123, MeSH D030342.

Allele frequency attached by ClinVar (database versions not stated): ExAC 0.00002; ESP Exome Variant Server 0.00008; gnomAD exomes 0.00015.
gnomAD v4.1: 239 of 1,614,090 alleles (0.015%); highest among the groups gnomAD compares: Non-Finnish European, 0.018%; no homozygotes.

Submissions (4):

Women's Health and Genetics/Laboratory Corporation of America, LabCorp
Classification: Likely benign. Last evaluated: 2026-02-03. Review status: criteria provided, single submitter. Criteria: LabCorp Variant Classification Summary - May 2015. Collection method: clinical testing. Allele origin: germline.
Comment: Variant summary: SPECC1L c.867T>G (p.Phe289Leu) results in a non-conservative amino acid change in the encoded protein sequence. Algorithms developed to predict the effect of missense changes on protein structure and function are either unavailable or do not agree on the potential impact of this missense change. The variant allele was found at a frequency of 2.8e-05 in 251480 control chromosomes in gnomAD v2.1, and was found in 216 of 1180048 control chromosomes in gnomAD v4.1, suggesting it is a benign polymorphism. To our knowledge, no occurrence of c.867T>G in individuals affected with SPECC1L-related conditions and no experimental evidence demonstrating its impact on protein function have been reported. ClinVar contains an entry for this variant (Variation ID: 1981722). Based on the evidence outlined above, the variant was classified as likely benign.

Labcorp Genetics (formerly Invitae), Labcorp
Classification: Benign. Last evaluated: 2025-10-16. Review status: criteria provided, single submitter. Criteria: Invitae Variant Classification Sherloc (09022015). Collection method: clinical testing. Allele origin: germline.

Ambry Genetics
Classification: Uncertain significance for Inborn genetic diseases. Last evaluated: 2025-03-07. Review status: criteria provided, single submitter. Criteria: Ambry Variant Classification Scheme 2023. Collection method: clinical testing. Allele origin: germline.

CeGaT Center for Human Genetics Tuebingen
Classification: Likely benign. Last evaluated: 2023-08-01. Review status: criteria provided, single submitter. Criteria: CeGaT Center For Human Genetics Tuebingen Variant Classification Criteria Version 2. Collection method: clinical testing. Allele origin: germline. Affected: yes. Observed: 1 variant allele.
Comment: SPECC1L: BP4